The following is an entry in ClinVar:

ClinVar aggregate classification (germline): Benign. Review status: criteria provided, multiple submitters, no conflicts (2 of 4 stars). 14 submissions from 14 submitters: Benign (11). 3 of the submissions do not count toward it. Last evaluated 2026-02-04.

Conditions:
TH-deficient dopa-responsive dystonia. Also called: DYT-TH; Segawa syndrome, autosomal recessive; Tyrosine Hydroxylase-Deficient Dopa-Responsive Dystonia. Identifiers: Orphanet 101150, MedGen C2673535, MONDO:0011551, OMIM 605407.

Allele frequency attached by ClinVar (database versions not stated): gnomAD 0.23916 and 0.23407; ExAC 0.30598; 1000 Genomes Project 0.15455; 1000 Genomes Project 30x 0.15475; TOPMed 0.22224; gnomAD exomes 0.22860; ESP Exome Variant Server 0.24714.
gnomAD v4.1: 452,107 of 1,585,578 alleles (29%); highest among the groups gnomAD compares: Non-Finnish European, 32%; 69,592 homozygotes.

Submissions (14):

Labcorp Genetics (formerly Invitae), Labcorp
Classification: Benign for TH-deficient dopa-responsive dystonia. Last evaluated: 2026-02-04. Review status: criteria provided, single submitter. Criteria: Invitae Variant Classification Sherloc (09022015). Collection method: clinical testing. Allele origin: germline.

Blueprint Genetics
Classification: Benign. Last evaluated: 2024-11-27. Review status: criteria provided, single submitter. Criteria: ACMG Guidelines, 2015. Collection method: clinical testing. Allele origin: germline.

Unidad de Genómica Garrahan, Hospital de Pediatría Garrahan
Classification: Benign. Last evaluated: 2024-07-31. Review status: criteria provided, single submitter. Criteria: ACMG Guidelines, 2015. Collection method: clinical testing. Allele origin: germline. Affected: no. Observed: 31 variant alleles.
Comment: This variant is classified as Benign based on local population frequency. This variant was detected in 33% of patients studied in a panel designed for Epileptic and Developmental Encephalopathy, Progressive Myoclonus Epilepsy and Abnormal Movements and Neurodegeneration with brain iron accumulation. Number of patients: 31. Only high quality variants are reported.

Mayo Clinic Laboratories, Mayo Clinic
Classification: Benign. Last evaluated: 2022-04-14. Review status: criteria provided, single submitter. Criteria: ACMG Guidelines, 2015. Collection method: clinical testing. Allele origin: germline. Observed: 319 variant alleles.

Genome-Nilou Lab
Classification: Benign for TH-deficient dopa-responsive dystonia. Last evaluated: 2021-07-10. Review status: criteria provided, single submitter. Criteria: ACMG Guidelines, 2015. Collection method: clinical testing. Allele origin: germline. Affected: no.

Illumina Laboratory Services, Illumina
Classification: Benign for TH-deficient dopa-responsive dystonia. Last evaluated: 2018-01-13. Review status: criteria provided, single submitter. Criteria: ICSL Variant Classification Criteria 13 December 2019. Collection method: clinical testing. Allele origin: germline.
Comment: This variant was observed in the ICSL laboratory as part of a predisposition screen in an ostensibly healthy population. It had not been previously curated by ICSL or reported in the Human Gene Mutation Database (HGMD: prior to June 1st, 2018), and was therefore a candidate for classification through an automated scoring system. Utilizing variant allele frequency, disease prevalence and penetrance estimates, and inheritance mode, an automated score was calculated to assess if this variant is too frequent to cause the disease. Based on the score and internal cut-off values, a variant classified as benign is not then subjected to further curation. The score for this variant resulted in a classification of benign for this disease.

Athena Diagnostics
Classification: Benign. Last evaluated: 2017-04-14. Review status: criteria provided, single submitter. Criteria: Athena Diagnostics Criteria. Collection method: clinical testing. Allele origin: germline.

Clinical Genetics DNA and cytogenetics Diagnostics Lab, Erasmus MC, Erasmus Medical Center
Classification: Benign for TH-deficient dopa-responsive dystonia. Last evaluated: 2015-09-21. Review status: criteria provided, single submitter. Criteria: ACGS Guidelines, 2013. Collection method: clinical testing. Allele origin: germline. Affected: yes. Study: VKGL Data-share Consensus.

GeneDx
Classification: Benign. Last evaluated: 2015-03-03. Review status: criteria provided, single submitter. Criteria: GeneDx Variant Classification Process June 2021. Collection method: clinical testing. Allele origin: germline. Affected: yes.

Breakthrough Genomics
Classification: Benign. Review status: criteria provided, single submitter. Criteria: ACMG Guidelines, 2015. Collection method: not provided. Allele origin: germline. Inheritance: Autosomal recessive inheritance. Affected: yes.

PreventionGenetics, part of Exact Sciences
Classification: Benign. Review status: criteria provided, single submitter. Criteria: ACMG Guidelines, 2015. Collection method: clinical testing. Allele origin: germline.

Natera, Inc.
Classification: Benign for Autosomal recessive Segawa syndrome. Last evaluated: 2020-09-16. Review status: no assertion criteria provided. Collection method: clinical testing. Allele origin: germline. Not counted in ClinVar's aggregate classification.

Genome Diagnostics Laboratory, Amsterdam University Medical Center
Classification: Benign for TH-deficient dopa-responsive dystonia. Last evaluated: 2015-02-07. Review status: no assertion criteria provided. Criteria: ACGS Guidelines, 2013. Collection method: clinical testing. Allele origin: germline. Affected: yes. Study: VKGL Data-share Consensus. Not counted in ClinVar's aggregate classification.

Joint Genome Diagnostic Labs from Nijmegen and Maastricht, Radboudumc and MUMC+
Classification: Benign. Review status: no assertion criteria provided. Collection method: clinical testing. Allele origin: germline. Affected: yes. Study: VKGL Data-share Consensus. Not counted in ClinVar's aggregate classification.

Literature cited by the submitters: PubMed 18554280 (cited by Athena Diagnostics).

NM_000360.4(TH):c.720G>A (p.Lys240=)

Gene: TH (tyrosine hydroxylase; minus strand). Cytogenetic location: 11p15.5.
Variant type: single nucleotide variant.
Coding change: c.720G>A on transcript NM_000360.4 (MANE Select); coding-DNA position 720, G replaced by A.
Protein change: p.Lys240=; no amino-acid change (lysine 240 retained).
Molecular consequence: synonymous variant.
Genome position (GRCh38, 1-based): chr11:2,167,008, C>T on the plus strand (G>A on the coding strand, the complement: TH is on the minus strand). VCF-style: chr11-2167008-C-T. GRCh37 (hg19) VCF-style: chr11-2188238-C-T.
Other names: p.Lys271=; c.813G>A, p.Lys271= (NM_199292.3); c.801G>A, p.Lys267= (NM_199293.3).
Identifiers: ClinVar variation 263258 (VCV000263258.28), dbSNP rs6357, ClinGen allele CA5818509.
Genomic context (GRCh38, chr11:2,167,008, plus strand): 5'-GCGCTCCAGCAAAGCAAAGGCCTCCAGGTGCTCCCCGCAGGCGTGCGTGGCGTAGAGGCC[C>T]TTCAGCGTGGTGTAGACCTCCTTCCTGCGGGCAGCCAGGCTCAGGGCCCTCTAATGCCCC-3'
Protein context (NP_000351.2, residues 230-250): ATWKEVYTTL[Lys240=]GLYATHACGE